The following is an entry in ClinVar:

NM_001110556.2(FLNA):c.1607G>A (p.Gly536Asp)

Gene: FLNA (filamin A; minus strand). Cytogenetic location: Xq28.
Variant type: single nucleotide variant.
Coding change: c.1607G>A on transcript NM_001110556.2 (MANE Select); coding-DNA position 1607, G replaced by A.
Protein change: p.Gly536Asp; replaces glycine 536 with aspartic acid.
Molecular consequence: missense variant.
Genome position (GRCh38, 1-based): chrX:154,365,220, C>T on the plus strand (G>A on the coding strand, the complement: FLNA is on the minus strand). VCF-style: chrX-154365220-C-T. GRCh37 (hg19) VCF-style: chrX-153593588-C-T.
Other names: c.1607G>A, p.Gly536Asp (NM_001456.4); short protein forms G536D.
Identifiers: ClinVar variation 2119088 (VCV002119088.4), dbSNP rs2522757112, ClinGen allele CA415243200.

ClinVar aggregate classification (germline): Uncertain significance (1 of 4 stars; one submission).

Conditions:
Melnick-Needles syndrome (MNS). Also called: MELNICK-NEEDLES OSTEODYSPLASTY; OSTEODYSPLASTY OF MELNICK AND NEEDLES; Melnick-Needles Syndrome (FLNA-MNS). Identifiers: Orphanet 2484, MedGen C0025237, MONDO:0010650, OMIM 309350.
Heterotopia, periventricular, X-linked dominant (PVNH1). Also called: PERIVENTRICULAR NODULAR HETEROTOPIA 1; X-linked periventricular heterotopia; PERIVENTRICULAR NODULAR HETEROTOPIA 4; HETEROTOPIA, PERIVENTRICULAR, 1. Identifiers: Orphanet 2149, Orphanet 82004, MedGen C1848213, MONDO:0010233, OMIM 300049.
Frontometaphyseal dysplasia (FMD1). Identifiers: Orphanet 1826, MedGen C0265293, MONDO:0015942.
Oto-palato-digital syndrome, type II (OPD2). Also called: FACIOPALATOOSSEOUS SYNDROME; OPD II SYNDROME; Otopalatodigital Syndrome Type 2 (FLNA-OPD2); Otopalatodigital Syndrome, Type II. Identifiers: Orphanet 669, Orphanet 90652, MedGen C1844696, MONDO:0010571, OMIM 304120.

Submission:

Labcorp Genetics (formerly Invitae), Labcorp
Classification: Uncertain significance for Oto-palato-digital syndrome, type II; Heterotopia, periventricular, X-linked dominant; Frontometaphyseal dysplasia; Melnick-Needles syndrome. Last evaluated: 2022-11-15. Review status: criteria provided, single submitter. Criteria: Invitae Variant Classification Sherloc (09022015). Collection method: clinical testing. Allele origin: germline.
Comment: In summary, the available evidence is currently insufficient to determine the role of this variant in disease. Therefore, it has been classified as a Variant of Uncertain Significance. Advanced modeling of protein sequence and biophysical properties (such as structural, functional, and spatial information, amino acid conservation, physicochemical variation, residue mobility, and thermodynamic stability) performed at Invitae indicates that this missense variant is not expected to disrupt FLNA protein function. This variant has not been reported in the literature in individuals affected with FLNA-related conditions. This variant is not present in population databases (gnomAD no frequency). This sequence change replaces glycine, which is neutral and non-polar, with aspartic acid, which is acidic and polar, at codon 536 of the FLNA protein (p.Gly536Asp).